The following is an entry in ClinVar:

ClinVar aggregate classification (germline): Uncertain significance (1 of 4 stars; one submission).

Conditions:
Hypertrophic cardiomyopathy. Also called: HYPERTROPHIC MYOCARDIOPATHY. Identifiers: Orphanet 217569, MedGen C0007194, MeSH D002312, MONDO:0005045, HP:0001639.

Allele frequency attached by ClinVar (database versions not stated): gnomAD exomes below 0.00001.

Submission:

Labcorp Genetics (formerly Invitae), Labcorp
Classification: Uncertain significance for Hypertrophic cardiomyopathy. Last evaluated: 2015-11-24. Review status: criteria provided, single submitter. Criteria: Invitae Variant Classification Sherloc (09022015). Collection method: clinical testing. Allele origin: germline.
Comment: In summary, this is a novel missense change with uncertain impact on protein function. It has been classified as a Variant of Uncertain Significance. This missense change is located within exon 8 of the TNNI3 protein and a high percentage of previously reported TNNI3 missense mutations have been found within either exon 7 or exon 8 (PMID: 15607392). These observations suggest that a novel missense substitution within this exon may affect protein function, but experiments have not been done to test this possibility. A computational algorithm designed to assess the pathogenicity of missense variants in TNNI3 with regard to hypertrophic cardiomyopathy predicted this sequence change to be pathogenic. The algorithm has a sensitivity of 94% and a specificity of 89% (PMID: 21310275). This variant is not present in population databases (ExAC no frequency) and has not been reported in the literature. This sequence change replaces isoleucine with threonine at codon 125 of the TNNI3 protein (p.Ile125Thr). The isoleucine residue is highly conserved and there is a moderate physicochemical difference between isoleucine and threonine.

Literature cited by the submitters: PubMed 15607392; PubMed 21310275.

NM_000363.5(TNNI3):c.374T>C (p.Ile125Thr)

Gene: TNNI3 (troponin I3, cardiac type; minus strand). Cytogenetic location: 19q13.42.
Variant type: single nucleotide variant.
Coding change: c.374T>C on transcript NM_000363.5 (MANE Select); coding-DNA position 374, T replaced by C.
Protein change: p.Ile125Thr; replaces isoleucine 125 with threonine.
Molecular consequence: missense variant.
Genome position (GRCh38, 1-based): chr19:55,154,205, A>G on the plus strand (T>C on the coding strand, the complement: TNNI3 is on the minus strand). VCF-style: chr19-55154205-A-G. GRCh37 (hg19) VCF-style: chr19-55665573-A-G.
Other names: c.374T>C (LRG_432t1); short protein forms I125T.
Identifiers: ClinVar variation 237691 (VCV000237691.8), dbSNP rs878853956, ClinGen allele CA10583863.
Genomic context (GRCh38, chr19:55,154,205, plus strand): 5'-CGCAGGGTGGGCCGCTTAAACTTGCCTCGAAGGTCAAAGATCTTCTGAGTCAGATCTGCA[A>G]TCTGGGGGCACACGAGGGGGTGGGTACTTCTCCTTCCATTTCCCGCACACCCAACTCCTC-3'
Protein context (NP_000354.4, residues 115-135): EAKVTKNITE[Ile125Thr]ADLTQKIFDL